The following is an entry in ClinVar:

ClinVar aggregate classification (germline): Uncertain significance (1 of 4 stars; one submission).

Conditions:
Bloom syndrome (BLM). Also called: Bloom-Torre-Machacek syndrome. Identifiers: Orphanet 125, MedGen C0005859, MONDO:0008876, OMIM 210900.

Allele frequency attached by ClinVar (database versions not stated): TOPMed 0.00001.

Submission:

Labcorp Genetics (formerly Invitae), Labcorp
Classification: Uncertain significance for Bloom syndrome. Last evaluated: 2023-04-22. Review status: criteria provided, single submitter. Criteria: Invitae Variant Classification Sherloc (09022015). Collection method: clinical testing. Allele origin: germline.
Comment: This sequence change replaces valine, which is neutral and non-polar, with leucine, which is neutral and non-polar, at codon 826 of the BLM protein (p.Val826Leu). This variant is not present in population databases (gnomAD no frequency). This variant has not been reported in the literature in individuals affected with BLM-related conditions. ClinVar contains an entry for this variant (Variation ID: 1039756). Advanced modeling of protein sequence and biophysical properties (such as structural, functional, and spatial information, amino acid conservation, physicochemical variation, residue mobility, and thermodynamic stability) performed at Invitae indicates that this missense variant is not expected to disrupt BLM protein function. In summary, the available evidence is currently insufficient to determine the role of this variant in disease. Therefore, it has been classified as a Variant of Uncertain Significance.

NM_000057.4(BLM):c.2476G>T (p.Val826Leu)

Gene: BLM (BLM RecQ like helicase; plus strand). Cytogenetic location: 15q26.1.
Variant type: single nucleotide variant.
Coding change: c.2476G>T on transcript NM_000057.4 (MANE Select); coding-DNA position 2476, G replaced by T.
Protein change: p.Val826Leu; replaces valine 826 with leucine.
Molecular consequence: missense variant.
Genome position (GRCh38, 1-based): chr15:90,769,507, G>T. VCF-style: chr15-90769507-G-T. GRCh37 (hg19) VCF-style: chr15-91312737-G-T.
Other names: c.2476G>T, p.Val826Leu (NM_001287246.2, NM_001287247.2); c.1351G>T, p.Val451Leu (NM_001287248.2); short protein forms V451L, V826L.
Identifiers: ClinVar variation 1039756 (VCV001039756.11), dbSNP rs1319281718, ClinGen allele CA393845406.